The following is an entry in ClinVar:

NM_002303.6(LEPR):c.2674-6T>C

Gene: LEPR (leptin receptor; plus strand). Cytogenetic location: 1p31.3.
Variant type: single nucleotide variant.
Coding change: c.2674-6T>C on transcript NM_002303.6 (MANE Select); 6 bases into the intron before coding-DNA position 2674, T replaced by C.
Molecular consequence: intron variant.
Genome position (GRCh38, 1-based): chr1:65,636,185, T>C. VCF-style: chr1-65636185-T-C. GRCh37 (hg19) VCF-style: chr1-66101868-T-C.
Identifiers: ClinVar variation 4981349 (VCV004981349.1).

ClinVar aggregate classification (germline): Likely benign (1 of 4 stars; one submission).

Conditions:
LEPR-related disorder. Also called: LEPR-related disorders; LEPR-related condition.

gnomAD v4.1: 1 of 1,613,742 alleles (0.000062%); no homozygotes.

Submission:

PreventionGenetics, part of Exact Sciences
Classification: Likely benign for LEPR-related condition. Last evaluated: 2025-03-13. Review status: criteria provided, single submitter. Criteria: ACMG Guidelines, 2015. Collection method: clinical testing. Allele origin: germline.
Comment: This variant is classified as likely benign based on ACMG/AMP sequence variant interpretation guidelines (Richards et al. 2015 PMID: 25741868, with internal and published modifications).